The following is an entry in ClinVar:

ClinVar aggregate classification (germline): Uncertain significance. Review status: criteria provided, multiple submitters, no conflicts (2 of 4 stars). 2 submissions from 2 submitters: Uncertain significance (2). Last evaluated 2025-02-05.

Conditions:
Inborn genetic diseases. Identifiers: MedGen C0950123, MeSH D030342.

Allele frequency attached by ClinVar (database versions not stated): TOPMed below 0.00001; gnomAD 0.00001; gnomAD exomes 0.00001.
gnomAD v4.1: 22 of 1,613,308 alleles (0.0014%); highest among the groups gnomAD compares: South Asian, 0.0022%; 1 homozygote.

Submissions (2):

Ambry Genetics
Classification: Uncertain significance for Inborn genetic diseases. Last evaluated: 2025-02-05. Review status: criteria provided, single submitter. Criteria: Ambry Variant Classification Scheme 2023. Collection method: clinical testing. Allele origin: germline.

Labcorp Genetics (formerly Invitae), Labcorp
Classification: Uncertain significance. Last evaluated: 2022-02-07. Review status: criteria provided, single submitter. Criteria: Invitae Variant Classification Sherloc (09022015). Collection method: clinical testing. Allele origin: germline.
Comment: This sequence change replaces glutamine, which is neutral and polar, with arginine, which is basic and polar, at codon 976 of the KMT2B protein (p.Gln976Arg). This variant is not present in population databases (gnomAD no frequency). This variant has not been reported in the literature in individuals affected with KMT2B-related conditions. Algorithms developed to predict the effect of missense changes on protein structure and function are either unavailable or do not agree on the potential impact of this missense change (SIFT: "Tolerated"; PolyPhen-2: "Not Available"; Align-GVGD: "Class C0"). In summary, the available evidence is currently insufficient to determine the role of this variant in disease. Therefore, it has been classified as a Variant of Uncertain Significance.

NM_014727.3(KMT2B):c.2927A>G (p.Gln976Arg)

Gene: KMT2B (lysine methyltransferase 2B; plus strand). Cytogenetic location: 19q13.12.
Variant type: single nucleotide variant.
Coding change: c.2927A>G on transcript NM_014727.3 (MANE Select); coding-DNA position 2927, A replaced by G.
Protein change: p.Gln976Arg; replaces glutamine 976 with arginine.
Molecular consequence: missense variant.
Genome position (GRCh38, 1-based): chr19:35,723,199, A>G. VCF-style: chr19-35723199-A-G. GRCh37 (hg19) VCF-style: chr19-36214101-A-G.
Other names: c.2927A>G (NM_014727.1); short protein forms Q976R.
Identifiers: ClinVar variation 2161286 (VCV002161286.5), dbSNP rs1287498488, ClinGen allele CA405402643.